The following is an entry in ClinVar:

NM_000128.4(F11):c.688T>C (p.Cys230Arg)

Gene: F11 (coagulation factor XI; plus strand). Cytogenetic location: 4q35.2.
Variant type: single nucleotide variant.
Coding change: c.688T>C on transcript NM_000128.4 (MANE Select); coding-DNA position 688, T replaced by C.
Protein change: p.Cys230Arg; replaces cysteine 230 with arginine.
Molecular consequence: missense variant.
Genome position (GRCh38, 1-based): chr4:186,276,323, T>C. VCF-style: chr4-186276323-T-C. GRCh37 (hg19) VCF-style: chr4-187197477-T-C.
Other names: short protein forms C230R.
Identifiers: ClinVar variation 2734692 (VCV002734692.3), dbSNP rs1004775935, ClinGen allele CA112152887.

ClinVar aggregate classification (germline): Likely pathogenic (1 of 4 stars; one submission).

Allele frequency attached by ClinVar (database versions not stated): gnomAD exomes below 0.00001.

Submission:

Labcorp Genetics (formerly Invitae), Labcorp
Classification: Likely pathogenic. Last evaluated: 2022-12-07. Review status: criteria provided, single submitter. Criteria: Invitae Variant Classification Sherloc (09022015). Collection method: clinical testing. Allele origin: germline.
Comment: In summary, the currently available evidence indicates that the variant is pathogenic, but additional data are needed to prove that conclusively. Therefore, this variant has been classified as Likely Pathogenic. This variant disrupts the p.Cys230 amino acid residue in F11. Other variant(s) that disrupt this residue have been determined to be pathogenic (PMID: 20523169). This suggests that this residue is clinically significant, and that variants that disrupt this residue are likely to be disease-causing. Advanced modeling of protein sequence and biophysical properties (such as structural, functional, and spatial information, amino acid conservation, physicochemical variation, residue mobility, and thermodynamic stability) performed at Invitae indicates that this missense variant is expected to disrupt F11 protein function. This variant is also known as p.Cys212Arg. This missense change has been observed in individual(s) with autosomal recessive factor XI deficiency (PMID: 16835901). This variant has been reported in individual(s) with autosomal dominant factor XI deficiency (PMID: 21668437, 29138690); however, the role of the variant in this condition is currently unclear. This variant is not present in population databases (gnomAD no frequency). This sequence change replaces cysteine, which is neutral and slightly polar, with arginine, which is basic and polar, at codon 230 of the F11 protein (p.Cys230Arg).

Literature cited by the submitters: PubMed 20523169; PubMed 16835901; PubMed 21668437; PubMed 29138690.